The following is an entry in ClinVar:

ClinVar aggregate classification (germline): Likely pathogenic (1 of 4 stars; one submission).

gnomAD v4.1: 3 of 1,614,040 alleles (0.00019%); highest among the groups gnomAD compares: African/African-American, 0.0027%; no homozygotes.

Submission:

GeneDx
Classification: Likely pathogenic. Last evaluated: 2026-08-26. Review status: criteria provided, single submitter. Criteria: GeneDx Variant Classification Process June 2021. Collection method: clinical testing. Allele origin: germline.
Comment: Not observed at significant frequency in large population cohorts (gnomAD); In silico analysis supports that this missense variant has a deleterious effect on protein structure/function; Has not been previously published as pathogenic or benign to our knowledge

NM_013328.4(PYCR2):c.356G>T (p.Arg119Leu)

Gene: PYCR2 (pyrroline-5-carboxylate reductase 2; minus strand). Cytogenetic location: 1q42.12.
Variant type: single nucleotide variant.
Coding change: c.356G>T on transcript NM_013328.4 (MANE Select); coding-DNA position 356, G replaced by T.
Protein change: p.Arg119Leu; replaces arginine 119 with leucine.
Molecular consequence: missense variant. On other transcripts: intron variant (1).
Genome position (GRCh38, 1-based): chr1:225,922,042, C>A on the plus strand (G>T on the coding strand, the complement: PYCR2 is on the minus strand). VCF-style: chr1-225922042-C-A. GRCh37 (hg19) VCF-style: chr1-226109742-C-A.
Other names: c.318+162G>T (NM_001271681.2); short protein forms R119L.
Identifiers: ClinVar variation 3900212 (VCV003900212.2).
Genomic context (GRCh38, chr1:225,922,042, plus strand): 5'-GTGCCCGTGGCGTACACTGTAGCGCCTTCCTGCACTACCACAGGTGTGTTGGTCATGCAG[C>A]GAATCACTTTGGGGGCTGGCTGGAATGCCATCAGCTTCTAGGGTGAGGGAGAGAGCCGAA-3'
Protein context (NP_037460.2, residues 109-129): MAFQPAPKVI[Arg119Leu]CMTNTPVVVQ